The following is an entry in ClinVar:

ClinVar aggregate classification (germline): Likely benign (1 of 4 stars; one submission).

Conditions:
ALMS1-related disorder. Also called: ALMS1-related condition.

Submission:

PreventionGenetics, part of Exact Sciences
Classification: Likely benign for ALMS1-related condition. Last evaluated: 2025-03-18. Review status: criteria provided, single submitter. Criteria: ACMG Guidelines, 2015. Collection method: clinical testing. Allele origin: germline.
Comment: This variant is classified as likely benign based on ACMG/AMP sequence variant interpretation guidelines (Richards et al. 2015 PMID: 25741868, with internal and published modifications).

NM_001378454.1(ALMS1):c.9189T>C (p.Thr3063=)

Gene: ALMS1 (ALMS1 centrosome and basal body associated protein; plus strand). Cytogenetic location: 2p13.1.
Variant type: single nucleotide variant.
Coding change: c.9189T>C on transcript NM_001378454.1 (MANE Select); coding-DNA position 9189, T replaced by C.
Protein change: p.Thr3063=; no amino-acid change (threonine 3063 retained).
Molecular consequence: synonymous variant.
Genome position (GRCh38, 1-based): chr2:73,491,148, T>C. VCF-style: chr2-73491148-T-C. GRCh37 (hg19) VCF-style: chr2-73718275-T-C.
Other names: c.9192T>C, p.Thr3064= (NM_015120.4).
Identifiers: ClinVar variation 5001166 (VCV005001166.1).